The following is an entry in ClinVar:

ClinVar aggregate classification (germline): Likely benign. Review status: criteria provided, multiple submitters, no conflicts (2 of 4 stars). 2 submissions from 2 submitters: Likely benign (2). Last evaluated 2024-07-01.

Conditions:
Hereditary cancer-predisposing syndrome. Also called: Neoplastic Syndromes, Hereditary; Tumor predisposition; Hereditary Cancer Syndrome; Hereditary neoplastic syndrome. Identifiers: Orphanet 140162, MedGen C0027672, MeSH D009386, MONDO:0015356.

Submissions (2):

CeGaT Center for Human Genetics Tuebingen
Classification: Likely benign. Last evaluated: 2024-07-01. Review status: criteria provided, single submitter. Criteria: CeGaT Center For Human Genetics Tuebingen Variant Classification Criteria Version 2. Collection method: clinical testing. Allele origin: germline. Affected: yes. Observed: 2 variant alleles.
Comment: TSC2: PM2:Supporting, BP4, BP7

Ambry Genetics
Classification: Likely benign for Hereditary cancer-predisposing syndrome. Last evaluated: 2024-05-06. Review status: criteria provided, single submitter. Criteria: Ambry Variant Classification Scheme 2023. Collection method: clinical testing. Allele origin: germline.

NM_000548.5(TSC2):c.2325T>G (p.Ser775=)

Gene: TSC2 (TSC complex subunit 2; plus strand). Cytogenetic location: 16p13.3.
Variant type: single nucleotide variant.
Coding change: c.2325T>G on transcript NM_000548.5 (MANE Select); coding-DNA position 2325, T replaced by G.
Protein change: p.Ser775=; no amino-acid change (serine 775 retained).
Molecular consequence: synonymous variant. On other transcripts: non-coding transcript variant (5).
Genome position (GRCh38, 1-based): chr16:2,072,953, T>G. VCF-style: chr16-2072953-T-G. GRCh37 (hg19) VCF-style: chr16-2122954-T-G.
Other names: c.2325T>G, p.Ser775= (NM_001370405.1, NM_001406663.1, NM_001406664.1 and 6 more transcripts); c.2415T>G, p.Ser805= (NM_001406667.1, NM_001406668.1); c.2214T>G, p.Ser738= (NM_001406670.1, NM_001406678.1, NM_001318827.2); c.2313T>G, p.Ser771= (NM_001406671.1, NM_001406673.1); c.2178T>G, p.Ser726= (NM_001406675.1, NM_001406676.1, NM_001406679.1 and 1 more transcripts); c.2268T>G, p.Ser756= (NM_001406677.1); c.1725T>G, p.Ser575= (NM_001406680.1, NM_001406682.1, NM_001406683.1 and 6 more transcripts); c.1863T>G, p.Ser621= (NM_001406681.1); and 3 more.
Identifiers: ClinVar variation 2645969 (VCV002645969.25), dbSNP rs2543768376, ClinGen allele CA492952705.
Genomic context (GRCh38, chr16:2,072,953, plus strand): 5'-AGGCTTCTCCAGAACTGACTTGCACCTGGCCGTGGTTCCAGTGCTGACAGCATTAATCTC[T>G]TACCATAACTACCTGGACAAAACCAAACAGGTAGGAGGTCAGAGCAGGACAGGCGAGCTT-3'
Protein context (NP_000539.2, residues 765-785): AVVPVLTALI[Ser775=]YHNYLDKTKQ